The following is an entry in ClinVar:

ClinVar aggregate classification (germline): Uncertain significance. Review status: criteria provided, multiple submitters, no conflicts (2 of 4 stars). 2 submissions from 2 submitters: Uncertain significance (2). Last evaluated 2025-11-20.

Conditions:
Martsolf syndrome 1. Identifiers: Orphanet 1387, MedGen C5542298, MONDO:8000008, OMIM 212720.
Martsolf syndrome (MARTS). Also called: Congenital cataract with intellectual disability and hypogonadotropic hypogonadism syndrome. Identifiers: Orphanet 1387, MedGen C0796037, MONDO:0023910.
Warburg micro syndrome 2 (WARBM2). Also called: MICRO SYNDROME 2. Identifiers: Orphanet 2510, MedGen C3280214, MONDO:0013641, OMIM 614225.

Allele frequency attached by ClinVar (database versions not stated): gnomAD exomes below 0.00001; TOPMed 0.00001.

Submissions (2):

Dasa
Classification: Uncertain significance for Martsolf syndrome 1. Last evaluated: 2025-11-20. Review status: criteria provided, single submitter. Criteria: DASA Assertion Criteria. Collection method: clinical testing. Allele origin: germline.
Comment: NM_012414.4(RAB3GAP2):c.3614T>G (p.Met1205Arg) is a missense variant that results in the substitution of methionine with arginine. This variant is rare in population databases. The currently available literature and clinical evidence are not sufficient to establish a definitive association between this variant and the reported condition. Therefore, this variant is classified as a variant of uncertain significance.

Labcorp Genetics (formerly Invitae), Labcorp
Classification: Uncertain significance for Martsolf syndrome; Warburg micro syndrome 2. Last evaluated: 2022-04-17. Review status: criteria provided, single submitter. Criteria: Invitae Variant Classification Sherloc (09022015). Collection method: clinical testing. Allele origin: germline.
Comment: This sequence change replaces methionine, which is neutral and non-polar, with arginine, which is basic and polar, at codon 1205 of the RAB3GAP2 protein (p.Met1205Arg). This variant is not present in population databases (gnomAD no frequency). This variant has not been reported in the literature in individuals affected with RAB3GAP2-related conditions. Algorithms developed to predict the effect of missense changes on protein structure and function (SIFT, PolyPhen-2, Align-GVGD) all suggest that this variant is likely to be tolerated. In summary, the available evidence is currently insufficient to determine the role of this variant in disease. Therefore, it has been classified as a Variant of Uncertain Significance.

NM_012414.4(RAB3GAP2):c.3614T>G (p.Met1205Arg)

Gene: RAB3GAP2 (RAB3 GTPase activating non-catalytic protein subunit 2; minus strand). Cytogenetic location: 1q41.
Variant type: single nucleotide variant.
Coding change: c.3614T>G on transcript NM_012414.4 (MANE Select); coding-DNA position 3614, T replaced by G.
Protein change: p.Met1205Arg; replaces methionine 1205 with arginine.
Molecular consequence: missense variant.
Genome position (GRCh38, 1-based): chr1:220,153,999, A>C on the plus strand (T>G on the coding strand, the complement: RAB3GAP2 is on the minus strand). VCF-style: chr1-220153999-A-C. GRCh37 (hg19) VCF-style: chr1-220327341-A-C.
Other names: short protein forms M1205R.
Identifiers: ClinVar variation 2159299 (VCV002159299.6), dbSNP rs1657811138, ClinGen allele CA344627667.